The following is an entry in ClinVar:

NC_000023.10:g.(31792310_31838091)_(31854937_31893304)dup

Gene: DMD (dystrophin; minus strand). Cytogenetic location: Xp21.1.
Variant type: Duplication.
Identifiers: ClinVar variation 1098794 (VCV001098794.1).

ClinVar aggregate classification (germline): Pathogenic (1 of 4 stars; one submission).

Conditions:
Neuromuscular disease caused by qualitative or quantitative defects of dystrophin. Also called: Qualitative or quantitative defects of dystrophin. Identifiers: Orphanet 207085, MedGen C5679787, MONDO:0016147.

Submission:

Women's Health and Genetics/Laboratory Corporation of America, LabCorp
Classification: Pathogenic for Neuromuscular disease caused by qualitative or quantitative defects of dystrophin. Last evaluated: 2021-04-29. Review status: criteria provided, single submitter. Criteria: LabCorp Variant Classification Summary - May 2015. Collection method: clinical testing. Allele origin: germline.
Comment: Variant summary: The variant identified by MLPA or other technology involves the duplication of exons 49-50 in the DMD gene. A presumed nomenclature of c.(7098+1_7099-1)_(7309+1_7310-1)dup has been designated for the purposes of this classification. It has been assumed that this is a tandem duplication in direct orientation (Richardson_GIM_2018, Newman_AJHG_2015). Although exact breakpoints of this duplication are not known, it is expected to result in an out-of-frame duplication change in the DMD gene (DOVE database, Tuffery-Giraud_2004, Ling_2020). The variant was absent in 16117 control chromosomes (gnomAD, Structural Variants dataset). c.(7098+1_7099-1)_(7309+1_7310-1)dup has been reported in the literature in several individuals affected with Dystrophinopathies (e.g. Tuffery-Giraud_2004, Okubo_2016, Xu_2018, Ling_2020). These data indicate that the variant is very likely to be associated with disease. To our knowledge, no experimental evidence demonstrating an impact on protein function has been reported. No clinical diagnostic laboratories have submitted clinical-significance assessments for this variant to ClinVar after 2014. Based on the evidence outlined above, the variant was classified as pathogenic.

Literature cited by the submitters: PubMed 29604111; PubMed 15351422; PubMed 17726484; PubMed 26911353; PubMed 31705731.